The following is an entry in ClinVar:

NM_003590.5(CUL3):c.1880T>C (p.Leu627Pro)

Gene: CUL3 (cullin 3; minus strand). Cytogenetic location: 2q36.2.
Variant type: single nucleotide variant.
Coding change: c.1880T>C on transcript NM_003590.5 (MANE Select); coding-DNA position 1880, T replaced by C.
Protein change: p.Leu627Pro; replaces leucine 627 with proline.
Molecular consequence: missense variant.
Genome position (GRCh38, 1-based): chr2:224,482,041, A>G on the plus strand (T>C on the coding strand, the complement: CUL3 is on the minus strand). VCF-style: chr2-224482041-A-G. GRCh37 (hg19) VCF-style: chr2-225346758-A-G.
Other names: c.1682T>C, p.Leu561Pro (NM_001257197.2); c.1898T>C, p.Leu633Pro (NM_001257198.2); short protein forms L561P, L627P, L633P.
Identifiers: ClinVar variation 4849229 (VCV004849229.1).

ClinVar aggregate classification (germline): Likely pathogenic (1 of 4 stars; one submission).

Conditions:
Neurodevelopmental disorder with or without autism or seizures (NEDAUS). Identifiers: MedGen C5543225, MONDO:0030994, OMIM 619239.

Submission:

Division of Genetic & Genomic Pathology, Hong Kong Children's Hospital
Classification: Likely pathogenic for Neurodevelopmental disorder with or without autism or seizures. Last evaluated: 2025-06-20. Review status: criteria provided, single submitter. Criteria: ACMG Guidelines, 2015. Collection method: clinical testing. Allele origin: de novo. Affected: yes.
Comment: The missense variant CUL3 c.1880T>C p.(Leu627Pro) in exon 14 is located in the Cullin homology domain. The CUL3 gene is intolerant to missense changes (gnomAD v4.1.0 missense constraint z-score 5.16; gnomAD v2.1.1 regional missense observed/expected 0.35). The REVEL score for the variant is 0.951, which is predicted to be deleterious at strong level. This variant is absent in control populations (gnomAD v.4.1.0) and has not been reported in clinical mutation databases (ClinVar and HGMD Professional v2024.4). Another missense variant involving the same amino acid residue (p.Leu627His) has been deposited as a VUS in ClinVar but minimal details were provided (VCV002502629.1, single submitter). Testing of the parents’ leukocyte DNA using Sanger sequencing did not detect this variant. For these reasons, CUL3 c.1880T>C p.(Leu627Pro) is classified as likely pathogenic.